The following is an entry in ClinVar:

ClinVar aggregate classification (germline): Benign/Likely benign. Review status: criteria provided, multiple submitters, no conflicts (2 of 4 stars). 3 submissions from 3 submitters: Benign (1); Likely benign (2). Last evaluated 2024-06-26.

Conditions:
Oligodontia-cancer predisposition syndrome. Also called: TOOTH AGENESIS-COLORECTAL CANCER SYNDROME. Identifiers: Orphanet 300576, MedGen C1837750, MONDO:0012075, OMIM 608615. Disease mechanism: loss of function.
Hereditary cancer-predisposing syndrome. Also called: Neoplastic Syndromes, Hereditary; Hereditary Cancer Syndrome; Tumor predisposition; Hereditary neoplastic syndrome. Identifiers: Orphanet 140162, MedGen C0027672, MeSH D009386, MONDO:0015356.

Allele frequency attached by ClinVar (database versions not stated): gnomAD exomes below 0.00001; gnomAD 0.00001.
gnomAD v4.1: 6 of 1,613,424 alleles (0.00037%); highest among the groups gnomAD compares: African/African-American, 0.0013%; no homozygotes.

Submissions (3):

Myriad Genetics, Inc.
Classification: Benign for Oligodontia-cancer predisposition syndrome. Last evaluated: 2024-06-26. Review status: criteria provided, single submitter. Criteria: Myriad Autosomal Dominant, Autosomal Recessive and X-Linked Classification Criteria (2023). Collection method: clinical testing. Allele origin: unknown.
Comment: This variant is considered benign. This variant is a silent/synonymous amino acid change and it is not expected to impact splicing.

Labcorp Genetics (formerly Invitae), Labcorp
Classification: Likely benign for Oligodontia-cancer predisposition syndrome. Last evaluated: 2024-02-26. Review status: criteria provided, single submitter. Criteria: Invitae Variant Classification Sherloc (09022015). Collection method: clinical testing. Allele origin: germline.

Ambry Genetics
Classification: Likely benign for Hereditary cancer-predisposing syndrome. Last evaluated: 2022-06-20. Review status: criteria provided, single submitter. Criteria: Ambry Variant Classification Scheme 2023. Collection method: clinical testing. Allele origin: germline.

NM_004655.4(AXIN2):c.261C>T (p.Gly87=)

Gene: AXIN2 (axin 2; minus strand). Cytogenetic location: 17q24.1.
Variant type: single nucleotide variant.
Coding change: c.261C>T on transcript NM_004655.4 (MANE Select); coding-DNA position 261, C replaced by T.
Protein change: p.Gly87=; no amino-acid change (glycine 87 retained).
Molecular consequence: synonymous variant.
Genome position (GRCh38, 1-based): chr17:65,558,360, G>A on the plus strand (C>T on the coding strand, the complement: AXIN2 is on the minus strand). VCF-style: chr17-65558360-G-A. GRCh37 (hg19) VCF-style: chr17-63554478-G-A.
Other names: c.261C>T (LRG_296t1); c.261C>T, p.Gly87= (NM_001363813.1).
Identifiers: ClinVar variation 572256 (VCV000572256.14), dbSNP rs1567769274, ClinGen allele CA501691978.
Genomic context (GRCh38, chr17:65,558,360, plus strand): 5'-GGTATCCACGCATTTCTCCCTCTCCAGGAAAGTTCGGAACAGGTAAGCACCGTCTTGATC[G>A]CCCAATAAGGAGTGTAAGGACTTGGTCCACCGGGTCAGAGGGGAATCCGGAGATGCCCGC-3'
Protein context (NP_004646.3, residues 77-97): RWTKSLHSLL[Gly87=]DQDGAYLFRT